The following is an entry in ClinVar:

NM_003718.5(CDK13):c.3258C>G (p.His1086Gln)

Gene: CDK13 (cyclin dependent kinase 13; plus strand). Cytogenetic location: 7p14.1.
Variant type: single nucleotide variant.
Coding change: c.3258C>G on transcript NM_003718.5 (MANE Select); coding-DNA position 3258, C replaced by G.
Protein change: p.His1086Gln; replaces histidine 1086 with glutamine.
Molecular consequence: missense variant. On other transcripts: intron variant (1).
Genome position (GRCh38, 1-based): chr7:40,092,807, C>G. VCF-style: chr7-40092807-C-G. GRCh37 (hg19) VCF-style: chr7-40132406-C-G.
Other names: c.3236-158C>G (NM_031267.3); short protein forms H1086Q.
Identifiers: ClinVar variation 3388264 (VCV003388264.14).
Genomic context (GRCh38, chr7:40,092,807, plus strand): 5'-AATTATGACAGTTCTAATTAATATAATTTTGTCTTTAGTAAAAACAGGCCCTGGACAGCA[C>G]TTAAACCACAGTGAATTGGCAATTCTACTAAACCTACTACAATCTAAAACAAGTGTTAAT-3'
Protein context (NP_003709.3, residues 1076-1096): VAPVKTGPGQ[His1086Gln]LNHSELAILL

ClinVar aggregate classification (germline): Likely benign (1 of 4 stars; one submission).

gnomAD v4.1: 29 of 1,613,934 alleles (0.0018%); highest among the groups gnomAD compares: Non-Finnish European, 0.0025%; no homozygotes.

Submission:

CeGaT Center for Human Genetics Tuebingen
Classification: Likely benign. Last evaluated: 2024-11-01. Review status: criteria provided, single submitter. Criteria: CeGaT Center For Human Genetics Tuebingen Variant Classification Criteria Version 2. Collection method: clinical testing. Allele origin: germline. Affected: yes. Observed: 1 variant allele.
Comment: CDK13: BP4, BS2